The following is an entry in ClinVar:

NM_000152.5(GAA):c.1559del (p.Asn520fs)

Gene: GAA (alpha glucosidase; plus strand). Cytogenetic location: 17q25.3.
Variant type: Deletion.
Coding change: c.1559del on transcript NM_000152.5 (MANE Select); coding-DNA position 1559, one base deleted (A; older notation c.1559delA).
Protein change: p.Asn520fs; shifts the reading frame from asparagine 520.
Molecular consequence: frameshift variant.
Genome position (GRCh38, 1-based): chr17:80,110,948, A deleted; the last of 2 consecutive A bases (chr17:80,110,947-80,110,948); deleting either gives the same sequence. VCF-style (leftmost placement, unchanged base first): chr17-80110946-GA-G. GRCh37 (hg19) VCF-style: chr17-78084745-GA-G.
Other names: c.1559del, p.Asn520fs (NM_001079803.3, NM_001079804.3); short protein forms N520fs.
Identifiers: ClinVar variation 1322970 (VCV001322970.9), dbSNP rs2143874154, ClinGen allele CA2573054603.

ClinVar aggregate classification (germline): Pathogenic. Review status: criteria provided, multiple submitters, no conflicts (2 of 4 stars). 3 submissions from 3 submitters: Pathogenic (3). Last evaluated 2026-07-01.

Conditions:
Glycogen storage disease, type II (IOPD). Also called: CARDIOMEGALIA GLYCOGENICA DIFFUSA; GLYCOGENOSIS, GENERALIZED, CARDIAC FORM; GSD II; POMPE DISEASE, INFANTILE-ONSET; GLYCOGEN STORAGE DISEASE II, INFANTILE-ONSET; ACID ALPHA-GLUCOSIDASE DEFICIENCY, INFANTILE-ONSET. Identifiers: Orphanet 365, MedGen C0017921, MONDO:0009290, OMIM 232300.

Submissions (3):

Genomenon, Inc
Classification: Pathogenic for Glycogen storage disease, type II. Last evaluated: 2026-07-01. Review status: criteria provided, single submitter. Criteria: Genomenon Sequence Variant Interpretation Standards - Updated. Collection method: curation. Allele origin: germline. Affected: yes.
Comment: GAA p.Asn520ThrfsTer58 (c.1559del) is a frameshift variant that is predicted to introduce a premature termination codon and result in a truncated or absent protein product. This variant has been observed in at least one proband with a GAA-related disorder (PMID:37087815). It is absent or not present at a significant frequency in gnomAD. In conclusion, we classify GAA p.Asn520ThrfsTer58 (c.1559del) as a pathogenic variant.

Labcorp Genetics (formerly Invitae), Labcorp
Classification: Pathogenic for Glycogen storage disease, type II. Last evaluated: 2022-07-09. Review status: criteria provided, single submitter. Criteria: Invitae Variant Classification Sherloc (09022015). Collection method: clinical testing. Allele origin: germline.
Comment: This variant has not been reported in the literature in individuals affected with GAA-related conditions. This sequence change creates a premature translational stop signal (p.Asn520Thrfs*58) in the GAA gene. It is expected to result in an absent or disrupted protein product. Loss-of-function variants in GAA are known to be pathogenic (PMID: 18425781, 22252923). This variant is not present in population databases (gnomAD no frequency). ClinVar contains an entry for this variant (Variation ID: 1322970). For these reasons, this variant has been classified as Pathogenic.

Revvity Omics, Revvity
Classification: Pathogenic. Last evaluated: 2019-03-04. Review status: criteria provided, single submitter. Criteria: ACMG Guidelines, 2015. Collection method: clinical testing. Allele origin: germline.

Literature cited by the submitters: PubMed 37087815 (cited by Genomenon, Inc); PubMed 18425781 (cited by Labcorp Genetics (formerly Invitae), Labcorp); PubMed 22252923 (cited by Labcorp Genetics (formerly Invitae), Labcorp).